The following is an entry in ClinVar:

NM_033380.3(COL4A5):c.4994+1G>A

Gene: COL4A5 (collagen type IV alpha 5 chain; plus strand). Cytogenetic location: Xq22.3.
Variant type: single nucleotide variant.
Coding change: c.4994+1G>A on transcript NM_033380.3 (MANE Select); the canonical splice donor site of the intron after coding-DNA position 4994, G replaced by A.
Molecular consequence: splice donor variant.
Genome position (GRCh38, 1-based): chrX:108,695,440, G>A. VCF-style: chrX-108695440-G-A. GRCh37 (hg19) VCF-style: chrX-107938670-G-A.
Other names: c.4976+1G>A (NM_000495.5).
Identifiers: ClinVar variation 2808353 (VCV002808353.7), dbSNP rs2524654509, ClinGen allele CA414133017.

ClinVar aggregate classification (germline): Pathogenic/Likely pathogenic. Review status: criteria provided, multiple submitters, no conflicts (2 of 4 stars). 4 submissions from 4 submitters: Pathogenic (2); Likely pathogenic (2). Last evaluated 2024-02-09.

Conditions:
COL4A5-related disorders.
X-linked Alport syndrome (ATS1). Also called: NEPHROPATHY AND DEAFNESS, X-LINKED; COL4A5-Related Nephropathy. Identifiers: Orphanet 63, Orphanet 88917, MedGen C4746986, MONDO:0010520, OMIM 301050.

Submissions (4):

Fulgent Genetics
Classification: Likely pathogenic for X-linked Alport syndrome. Last evaluated: 2024-02-09. Review status: criteria provided, single submitter. Criteria: ACMG Guidelines, 2015. Collection method: clinical testing. Allele origin: germline.

Labcorp Genetics (formerly Invitae), Labcorp
Classification: Pathogenic. Last evaluated: 2022-10-13. Review status: criteria provided, single submitter. Criteria: Invitae Variant Classification Sherloc (09022015). Collection method: clinical testing. Allele origin: germline.
Comment: This variant has not been reported in the literature in individuals affected with COL4A5-related conditions. For these reasons, this variant has been classified as Pathogenic. This variant disrupts a region of the COL4A5 protein in which other variant(s) (p.Arg1677*) have been determined to be pathogenic (PMID: 10094548, 12796257, 19728970, 19965530). This suggests that this is a clinically significant region of the protein, and that variants that disrupt it are likely to be disease-causing. Variants that disrupt the consensus splice site are a relatively common cause of aberrant splicing (PMID: 17576681, 9536098). Algorithms developed to predict the effect of sequence changes on RNA splicing suggest that this variant may disrupt the consensus splice site. This variant is not present in population databases (gnomAD no frequency). This sequence change affects a donor splice site in intron 50 of the COL4A5 gene. While this variant is not anticipated to result in nonsense mediated decay, it likely alters RNA splicing and results in a disrupted protein product.

Watson Genetic Lab
Classification: Pathogenic for X-linked Alport syndrome. Last evaluated: 2022-07-25. Review status: criteria provided, single submitter. Criteria: ACMG Guidelines, 2015. Collection method: clinical testing. Allele origin: germline. Inheritance: X-linked inheritance. Affected: yes. Observed: 2 variant alleles, 2 hemizygotes.
Comment: ACMG Guideline scores: PVS1, PM2, PP1

Blueprint Genetics
Classification: Likely pathogenic for COL4A5-related disorders. Last evaluated: 2018-01-16. Review status: criteria provided, single submitter. Criteria: ACMG Guidelines, 2015. Collection method: clinical testing. Allele origin: germline. Affected: yes. Observed: 1 variant allele.

Literature cited by the submitters: PubMed 10094548 (cited by Labcorp Genetics (formerly Invitae), Labcorp); PubMed 12796257 (cited by Labcorp Genetics (formerly Invitae), Labcorp); PubMed 19728970 (cited by Labcorp Genetics (formerly Invitae), Labcorp); PubMed 19965530 (cited by Labcorp Genetics (formerly Invitae), Labcorp); PubMed 17576681 (cited by Labcorp Genetics (formerly Invitae), Labcorp); PubMed 9536098 (cited by Labcorp Genetics (formerly Invitae), Labcorp).